The following is an entry in ClinVar:

ClinVar aggregate classification (germline): Uncertain significance (1 of 4 stars; one submission).

Submission:

CeGaT Center for Human Genetics Tuebingen
Classification: Uncertain significance. Last evaluated: 2023-04-01. Review status: criteria provided, single submitter. Criteria: CeGaT Center For Human Genetics Tuebingen Variant Classification Criteria Version 2. Collection method: clinical testing. Allele origin: germline. Affected: yes. Observed: 1 variant allele.
Comment: ANK2: PM2

NM_001148.6(ANK2):c.1057C>T (p.Gln353Ter)

Gene: ANK2 (ankyrin 2; plus strand). Cytogenetic location: 4q26.
Variant type: single nucleotide variant.
Coding change: c.1057C>T on transcript NM_001148.6 (MANE Select); coding-DNA position 1057, C replaced by T.
Protein change: p.Gln353Ter; replaces glutamine 353 with a stop codon.
Molecular consequence: nonsense.
Genome position (GRCh38, 1-based): chr4:113,255,801, C>T. VCF-style: chr4-113255801-C-T. GRCh37 (hg19) VCF-style: chr4-114176957-C-T.
Other names: c.1057C>T, p.Gln353Ter (NM_001354232.2, NM_001354235.2, NM_001354236.2 and 9 more transcripts); c.1102C>T, p.Gln368Ter (NM_001354237.2, NM_001354240.2, NM_001354241.2 and 5 more transcripts); c.994C>T, p.Gln332Ter (NM_001354239.2, NM_001354243.2, NM_001354262.2 and 14 more transcripts); c.970C>T, p.Gln324Ter (NM_001354260.2, NM_001354264.2, NM_001354266.2 and 16 more transcripts); c.1015C>T, p.Gln339Ter (NM_001354261.2, NM_001386147.1, NM_001386160.1); c.1045C>T, p.Gln349Ter (NM_001386148.2, NM_001386186.2, NM_001354269.3); c.1108C>T, p.Gln370Ter (NM_001386174.1); c.1084C>T, p.Gln362Ter (NM_001386175.1); and 1 more; short protein forms Q324*, Q332*, Q339*, Q341*, Q349*, Q353*, Q362*, Q368*.
Identifiers: ClinVar variation 2655033 (VCV002655033.24), dbSNP rs2492662036, ClinGen allele CA357926460.